The following is an entry in ClinVar:

NM_000252.3(MTM1):c.968_969delinsT (p.Lys323fs)

Gene: MTM1 (myotubularin 1; plus strand). Cytogenetic location: Xq28.
Variant type: Indel.
Coding change: c.968_969delinsT on transcript NM_000252.3 (MANE Select); coding-DNA positions 968 to 969, AA replaced by T.
Protein change: p.Lys323fs; shifts the reading frame from lysine 323.
Molecular consequence: frameshift variant.
Genome position (GRCh38, 1-based): chrX:150,649,816-150,649,817, AA replaced by T. VCF-style: chrX-150649816-AA-T. GRCh37 (hg19) VCF-style: chrX-149818289-AA-T.
Other names: c.968_969delinsT, p.Lys323fs (NM_001376906.1, NM_001376908.1); c.857_858delinsT, p.Lys286fs (NM_001376907.1); short protein forms K286fs, K323fs.
Identifiers: ClinVar variation 3777054 (VCV003777054.1).

ClinVar aggregate classification (germline): Pathogenic (0 of 4 stars; one submission).

Conditions:
Severe X-linked myotubular myopathy (CNMX). Also called: X-linked centronuclear myopathy; MYOTUBULAR MYOPATHY 1; Myotubular myopathy, X-linked. Identifiers: Orphanet 596, MedGen C0410203, MONDO:0010683, OMIM 310400.

Submission:

Medical Genetic Diagnosis and Therapy Center, Fujian Medical University
Classification: Pathogenic for Severe X-linked myotubular myopathy. Review status: no assertion criteria provided. Collection method: clinical testing. Allele origin: de novo. Inheritance: X-linked recessive inheritance. Affected: yes. Observed: 1 hemizygote.
Comment: This sequence change creates a premature translational stop signal (p.K323Mfs*2) in the MTM1 gene. It is expected to result in an absent or disrupted protein product. Loss-of-function variants in MTM1 are known to be pathogenic (PMID: 9305655, 10063835). This variant is not present in population databases (ExAC; 1000 Genome; gnomAD). The variant was identified as a de novo occurrence. In summary, this variant meets the criteria to be classified as pathogenic.